The following is an entry in ClinVar:

ClinVar aggregate classification (germline): Uncertain significance. Review status: criteria provided, multiple submitters, no conflicts (2 of 4 stars). 2 submissions from 2 submitters: Uncertain significance (2). Last evaluated 2025-01-18.

Conditions:
Developmental and epileptic encephalopathy, 23 (DEE23). Also called: Epileptic encephalopathy, early infantile, 23. Identifiers: Orphanet 411986, MedGen C4014492, MONDO:0014371, OMIM 615859.
Inborn genetic diseases. Identifiers: MedGen C0950123, MeSH D030342.

Allele frequency attached by ClinVar (database versions not stated): ExAC 0.00001; TOPMed 0.00001; gnomAD exomes 0.00002 and 0.00004.
gnomAD v4.1: 37 of 1,611,696 alleles (0.0023%); highest among the groups gnomAD compares: Middle Eastern, 0.016%; no homozygotes.

Submissions (2):

Ambry Genetics
Classification: Uncertain significance for Inborn genetic diseases. Last evaluated: 2025-01-18. Review status: criteria provided, single submitter. Criteria: Ambry Variant Classification Scheme 2023. Collection method: clinical testing. Allele origin: germline.

Labcorp Genetics (formerly Invitae), Labcorp
Classification: Uncertain significance for Developmental and epileptic encephalopathy, 23. Last evaluated: 2022-10-17. Review status: criteria provided, single submitter. Criteria: Invitae Variant Classification Sherloc (09022015). Collection method: clinical testing. Allele origin: germline.
Comment: This sequence change replaces isoleucine, which is neutral and non-polar, with valine, which is neutral and non-polar, at codon 918 of the DOCK7 protein (p.Ile918Val). This variant is present in population databases (rs757257207, gnomAD 0.01%). This variant has not been reported in the literature in individuals affected with DOCK7-related conditions. ClinVar contains an entry for this variant (Variation ID: 844837). Advanced modeling of protein sequence and biophysical properties (such as structural, functional, and spatial information, amino acid conservation, physicochemical variation, residue mobility, and thermodynamic stability) performed at Invitae indicates that this missense variant is not expected to disrupt DOCK7 protein function. In summary, the available evidence is currently insufficient to determine the role of this variant in disease. Therefore, it has been classified as a Variant of Uncertain Significance.

NM_001367561.1(DOCK7):c.2752A>G (p.Ile918Val)

Gene: DOCK7 (dedicator of cytokinesis 7; minus strand). Cytogenetic location: 1p31.3.
Variant type: single nucleotide variant.
Coding change: c.2752A>G on transcript NM_001367561.1 (MANE Select); coding-DNA position 2752, A replaced by G.
Protein change: p.Ile918Val; replaces isoleucine 918 with valine.
Molecular consequence: missense variant.
Genome position (GRCh38, 1-based): chr1:62,552,746, T>C on the plus strand (A>G on the coding strand, the complement: DOCK7 is on the minus strand). VCF-style: chr1-62552746-T-C. GRCh37 (hg19) VCF-style: chr1-63018417-T-C.
Other names: c.2752A>G, p.Ile918Val (NM_001271999.2, NM_001272000.2, NM_001272001.2 and 2 more transcripts); c.2752A>G (NM_033407.2); short protein forms I918V.
Identifiers: ClinVar variation 844837 (VCV000844837.8), dbSNP rs757257207, ClinGen allele CA886184.